The following is an entry in ClinVar:

NM_001079872.2(CUL4B):c.1965A>G (p.Gly655=)

Gene: CUL4B (cullin 4B; minus strand). Cytogenetic location: Xq24.
Variant type: single nucleotide variant.
Coding change: c.1965A>G on transcript NM_001079872.2 (MANE Select); coding-DNA position 1965, A replaced by G.
Protein change: p.Gly655=; no amino-acid change (glycine 655 retained).
Molecular consequence: synonymous variant.
Genome position (GRCh38, 1-based): chrX:120,537,008, T>C on the plus strand (A>G on the coding strand, the complement: CUL4B is on the minus strand). VCF-style: chrX-120537008-T-C. GRCh37 (hg19) VCF-style: chrX-119670863-T-C.
Other names: c.1980A>G, p.Gly660= (NM_001330624.2); c.1431A>G, p.Gly477= (NM_001369145.1); c.2019A>G, p.Gly673= (NM_003588.4).
Identifiers: ClinVar variation 4977229 (VCV004977229.1).
Genomic context (GRCh38, chrX:120,537,008, plus strand): 5'-CATAGGCACATATGTCGGCCAATAGCCCATTGTCAGGATATTCACAGTTAACTCAATATT[T>C]CCCGGAACATTCTGATTCTGCATATACTATAAGAAGATCAAAACACACACTGAGATCTTA-3'
Protein context (NP_001073341.1, residues 645-665): KQYMQNQNVP[Gly655=]NIELTVNILT

ClinVar aggregate classification (germline): Likely benign (1 of 4 stars; one submission).

Conditions:
CUL4B-related disorder. Also called: CUL4B-related condition.

Submission:

PreventionGenetics, part of Exact Sciences
Classification: Likely benign for CUL4B-related condition. Last evaluated: 2026-03-31. Review status: criteria provided, single submitter. Criteria: ACMG Guidelines, 2015. Collection method: clinical testing. Allele origin: germline.
Comment: This variant is classified as likely benign based on ACMG/AMP sequence variant interpretation guidelines (Richards et al. 2015 PMID: 25741868, with internal and published modifications).